The following is an entry in ClinVar:

ClinVar aggregate classification (germline): Uncertain significance. Review status: criteria provided, multiple submitters, no conflicts (2 of 4 stars). 3 submissions from 3 submitters: Uncertain significance (3). Last evaluated 2025-10-08.

Conditions:
Inborn genetic diseases. Identifiers: MedGen C0950123, MeSH D030342.
Peroxisome biogenesis disorder. Identifiers: Orphanet 79189, MedGen C1832200, MONDO:0019234. Disease mechanism: loss of function.

Allele frequency attached by ClinVar (database versions not stated): ExAC 0.00002; TOPMed 0.00004; gnomAD 0.00003; gnomAD exomes 0.00002 and 0.00007.
gnomAD v4.1: 103 of 1,613,980 alleles (0.0064%); highest among the groups gnomAD compares: Non-Finnish European, 0.008%; no homozygotes.

Submissions (3):

Dasa
Classification: Uncertain significance. Last evaluated: 2025-10-08. Review status: criteria provided, single submitter. Criteria: DASA Assertion Criteria. Collection method: clinical testing. Allele origin: germline.
Comment: NM_000287.4(PEX6):c.2788G>T (p.Val930Phe) is a missense variant that results in the substitution of valine with phenylalanine. This variant has been observed in affected individuals with PEX6-related disorders. Also, this variant is rare in population databases. The currently available literature and clinical evidence are not sufficient to establish a definitive association between this variant and the reported condition. Therefore, this variant is classified as a variant of uncertain significance.

Ambry Genetics
Classification: Uncertain significance for Inborn genetic diseases. Last evaluated: 2024-04-04. Review status: criteria provided, single submitter. Criteria: Ambry Variant Classification Scheme 2023. Collection method: clinical testing. Allele origin: germline.

Labcorp Genetics (formerly Invitae), Labcorp
Classification: Uncertain significance for Peroxisome biogenesis disorder. Last evaluated: 2022-10-24. Review status: criteria provided, single submitter. Criteria: Invitae Variant Classification Sherloc (09022015). Collection method: clinical testing. Allele origin: germline.
Comment: This sequence change replaces valine, which is neutral and non-polar, with phenylalanine, which is neutral and non-polar, at codon 930 of the PEX6 protein (p.Val930Phe). This variant is present in population databases (rs756296074, gnomAD 0.004%). This variant has not been reported in the literature in individuals affected with PEX6-related conditions. ClinVar contains an entry for this variant (Variation ID: 1387546). Advanced modeling of protein sequence and biophysical properties (such as structural, functional, and spatial information, amino acid conservation, physicochemical variation, residue mobility, and thermodynamic stability) has been performed at Invitae for this missense variant, however the output from this modeling did not meet the statistical confidence thresholds required to predict the impact of this variant on PEX6 protein function. In summary, the available evidence is currently insufficient to determine the role of this variant in disease. Therefore, it has been classified as a Variant of Uncertain Significance.

NM_000287.4(PEX6):c.2788G>T (p.Val930Phe)

Gene: PEX6 (peroxisomal biogenesis factor 6; minus strand). Cytogenetic location: 6p21.1.
Variant type: single nucleotide variant.
Coding change: c.2788G>T on transcript NM_000287.4 (MANE Select); coding-DNA position 2788, G replaced by T.
Protein change: p.Val930Phe; replaces valine 930 with phenylalanine.
Molecular consequence: missense variant. On other transcripts: non-coding transcript variant (1).
Genome position (GRCh38, 1-based): chr6:42,964,808, C>A on the plus strand (G>T on the coding strand, the complement: PEX6 is on the minus strand). VCF-style: chr6-42964808-C-A. GRCh37 (hg19) VCF-style: chr6-42932546-C-A.
Other names: c.2788G>T (NM_000287.3); c.2524G>T, p.Val842Phe (NM_001316313.2); short protein forms V842F, V930F.
Identifiers: ClinVar variation 1387546 (VCV001387546.6), dbSNP rs756296074, ClinGen allele CA3810909.